The following is an entry in ClinVar:

ClinVar aggregate classification (germline): Conflicting classifications of pathogenicity. Review status: criteria provided, conflicting classifications (1 of 4 stars). 4 submissions from 4 submitters: Uncertain significance (1); Likely benign (3). Last evaluated 2026-02-01.

Conditions:
Cayman type cerebellar ataxia. Also called: Cayman ataxia. Identifiers: Orphanet 94122, MedGen C1832585, MONDO:0011025, OMIM 601238.

Allele frequency attached by ClinVar (database versions not stated): 1000 Genomes Project 30x 0.00016; 1000 Genomes Project 0.00020; ExAC 0.00034; ESP Exome Variant Server 0.00034; TOPMed 0.00054; gnomAD 0.00055 and 0.00061; gnomAD exomes 0.00057 and 0.00065.
gnomAD v4.1: 1,003 of 1,552,240 alleles (0.065%); highest among the groups gnomAD compares: Admixed American, 0.18%; 3 homozygotes.

Submissions (4):

CeGaT Center for Human Genetics Tuebingen
Classification: Likely benign. Last evaluated: 2026-02-01. Review status: criteria provided, single submitter. Criteria: CeGaT Center For Human Genetics Tuebingen Variant Classification Criteria Version 2. Collection method: clinical testing. Allele origin: germline. Affected: yes. Observed: 3 variant alleles.
Comment: ATCAY: BP4, BP7

Blueprint Genetics
Classification: Likely benign. Last evaluated: 2024-10-10. Review status: criteria provided, single submitter. Criteria: ACMG Guidelines, 2015. Collection method: clinical testing. Allele origin: germline.

Labcorp Genetics (formerly Invitae), Labcorp
Classification: Likely benign. Last evaluated: 2019-12-31. Review status: criteria provided, single submitter. Criteria: Invitae Variant Classification Sherloc (09022015). Collection method: clinical testing. Allele origin: germline.

Illumina Laboratory Services, Illumina
Classification: Uncertain significance for Cayman type cerebellar ataxia. Last evaluated: 2018-01-13. Review status: criteria provided, single submitter. Criteria: ICSL Variant Classification Criteria 13 December 2019. Collection method: clinical testing. Allele origin: germline.

NM_033064.5(ATCAY):c.36C>T (p.Asn12=)

Gene: ATCAY (ATCAY kinesin light chain interacting caytaxin; plus strand). Cytogenetic location: 19p13.3.
Variant type: single nucleotide variant.
Coding change: c.36C>T on transcript NM_033064.5 (MANE Select); coding-DNA position 36, C replaced by T.
Protein change: p.Asn12=; no amino-acid change (asparagine 12 retained).
Molecular consequence: synonymous variant.
Genome position (GRCh38, 1-based): chr19:3,885,803, C>T. VCF-style: chr19-3885803-C-T. GRCh37 (hg19) VCF-style: chr19-3885801-C-T.
Identifiers: ClinVar variation 328984 (VCV000328984.34), dbSNP rs368213837, ClinGen allele CA9087000.
Genomic context (GRCh38, chr19:3,885,803, plus strand): 5'-AAGCCAGTGCCTCTTCCCAGCTCCCATGGGGACCACCGAAGCCACGCTCCGGATGGAAAA[C>T]GTGGACGTGAAGGAGGAATGGCAGGACGAAGATCTTCCCAGGTAGGACTTCCACATCCCT-3'
Protein context (NP_149053.1, residues 2-22): GTTEATLRME[Asn12=]VDVKEEWQDE